The following is an entry in ClinVar:

ClinVar aggregate classification (germline): Uncertain significance (1 of 4 stars; one submission).

Allele frequency attached by ClinVar (database versions not stated): gnomAD exomes below 0.00001.
gnomAD v4.1: 1 of 1,613,142 alleles (0.000062%); highest among the groups gnomAD compares: East Asian, 0.0022%; no homozygotes.

Submission:

Labcorp Genetics (formerly Invitae), Labcorp
Classification: Uncertain significance. Last evaluated: 2024-10-24. Review status: criteria provided, single submitter. Criteria: Invitae Variant Classification Sherloc (09022015). Collection method: clinical testing. Allele origin: germline.
Comment: This sequence change replaces proline, which is neutral and non-polar, with serine, which is neutral and polar, at codon 742 of the CFH protein (p.Pro742Ser). This variant is present in population databases (no rsID available, gnomAD 0.006%). This variant has not been reported in the literature in individuals affected with CFH-related conditions. An algorithm developed to predict the effect of missense changes on protein structure and function (PolyPhen-2) suggests that this variant is likely to be disruptive. In summary, the available evidence is currently insufficient to determine the role of this variant in disease. Therefore, it has been classified as a Variant of Uncertain Significance.

NM_000186.4(CFH):c.2224C>T (p.Pro742Ser)

Gene: CFH (complement factor H; plus strand). Cytogenetic location: 1q31.3.
Variant type: single nucleotide variant.
Coding change: c.2224C>T on transcript NM_000186.4 (MANE Select); coding-DNA position 2224, C replaced by T.
Protein change: p.Pro742Ser; replaces proline 742 with serine.
Molecular consequence: missense variant.
Genome position (GRCh38, 1-based): chr1:196,726,928, C>T. VCF-style: chr1-196726928-C-T. GRCh37 (hg19) VCF-style: chr1-196696058-C-T.
Other names: short protein forms P742S.
Identifiers: ClinVar variation 2847781 (VCV002847781.3), dbSNP rs1313104462, ClinGen allele CA343989988.